The following is an entry in ClinVar:

NM_020461.4(TUBGCP6):c.3092G>C (p.Gly1031Ala)

Gene: TUBGCP6 (tubulin gamma complex component 6; minus strand). Cytogenetic location: 22q13.33.
Variant type: single nucleotide variant.
Coding change: c.3092G>C on transcript NM_020461.4 (MANE Select); coding-DNA position 3092, G replaced by C.
Protein change: p.Gly1031Ala; replaces glycine 1031 with alanine.
Molecular consequence: missense variant.
Genome position (GRCh38, 1-based): chr22:50,221,267, C>G on the plus strand (G>C on the coding strand, the complement: TUBGCP6 is on the minus strand). VCF-style: chr22-50221267-C-G. GRCh37 (hg19) VCF-style: chr22-50659696-C-G.
Other names: short protein forms G1031A.
Identifiers: ClinVar variation 714910 (VCV000714910.25), dbSNP rs115728769, ClinGen allele CA10308053.
Genomic context (GRCh38, chr22:50,221,267, plus strand): 5'-TTCCACCGTGGCCGGGTGGGAGCTATTTCAGAAGCGTAGTCCCCTGTGGGAAGACCACCC[C>G]CTGACACCTGCCCAAAGAGCCGCTCTGTGGGCTGGCTGCTCCCCTCCTCCAGAGCAGCAC-3'
Protein context (NP_065194.3, residues 1021-1041): PTERLFGQVS[Gly1031Ala]GGLPTGDYAS

ClinVar aggregate classification (germline): Benign/Likely benign. Review status: criteria provided, multiple submitters, no conflicts (2 of 4 stars). 3 submissions from 3 submitters: Benign (1); Likely benign (2). Last evaluated 2026-02-02.

Allele frequency attached by ClinVar (database versions not stated): gnomAD exomes 0.00037 and 0.00110; ExAC 0.00149; 1000 Genomes Project 0.00419; gnomAD 0.00424 and 0.00455; TOPMed 0.00464; ESP Exome Variant Server 0.00561.
gnomAD v4.1: 1,215 of 1,614,068 alleles (0.075%); highest among the groups gnomAD compares: African/African-American, 1.4%; 10 homozygotes.

Submissions (3):

Labcorp Genetics (formerly Invitae), Labcorp
Classification: Benign. Last evaluated: 2026-02-02. Review status: criteria provided, single submitter. Criteria: Invitae Variant Classification Sherloc (09022015). Collection method: clinical testing. Allele origin: germline.

CeGaT Center for Human Genetics Tuebingen
Classification: Likely benign. Last evaluated: 2024-12-01. Review status: criteria provided, single submitter. Criteria: CeGaT Center For Human Genetics Tuebingen Variant Classification Criteria Version 2. Collection method: clinical testing. Allele origin: germline. Affected: yes. Observed: 1 variant allele.
Comment: TUBGCP6: BP4, BS1

GeneDx
Classification: Likely benign. Last evaluated: 2019-10-02. Review status: criteria provided, single submitter. Criteria: GeneDx Variant Classification Process June 2021. Collection method: clinical testing. Allele origin: germline. Affected: yes.